The following is an entry in ClinVar:

ClinVar aggregate classification (germline): Uncertain significance (1 of 4 stars; one submission).

Conditions:
Drash syndrome (DDS). Also called: NEPHROPATHY, WILMS TUMOR, AND GENITAL ANOMALIES; WILMS TUMOR AND PSEUDO- OR TRUE HERMAPHRODITISM. Identifiers: Orphanet 220, MedGen C0950121, MONDO:0008682, OMIM 194080.
Frasier syndrome. Identifiers: Orphanet 347, MedGen C0950122, MeSH D052159, MONDO:0007635, OMIM 136680.
Wilms tumor 1 (WT1). Also called: Wilms tumor, somatic. Identifiers: Orphanet 654, MedGen CN033288, MONDO:0008679, OMIM 194070.
11p partial monosomy syndrome (WAGR). Also called: CHROMOSOME 11p13 DELETION SYNDROME; WAGR syndrome; WAGR Spectrum Disorder; WAGR Complex. Identifiers: Orphanet 893, MedGen C0206115, MONDO:0008681, OMIM 194072.

Submission:

Labcorp Genetics (formerly Invitae), Labcorp
Classification: Uncertain significance for Wilms tumor 1; Drash syndrome; 11p partial monosomy syndrome; Frasier syndrome. Last evaluated: 2021-03-14. Review status: criteria provided, single submitter. Criteria: Invitae Variant Classification Sherloc (09022015). Collection method: clinical testing. Allele origin: germline.
Comment: This variant is not present in population databases (ExAC no frequency). This sequence change replaces cysteine with serine at codon 453 of the WT1 protein (p.Cys453Ser). The cysteine residue is highly conserved and there is a moderate physicochemical difference between cysteine and serine. This missense change has been observed in individual(s) with pediatric steroid-resistant nephrotic syndrome (PMID: 27300205). In summary, the available evidence is currently insufficient to determine the role of this variant in disease. Therefore, it has been classified as a Variant of Uncertain Significance. This variant disrupts the p.Cys453 amino acid residue in WT1. Other variant(s) that disrupt this residue have been determined to be pathogenic (PMID: 25818337, 28658201, 9475094, 27300205, 24402088). This suggests that this residue is clinically significant, and that variants that disrupt this residue are likely to be disease-causing. Algorithms developed to predict the effect of missense changes on protein structure and function (SIFT, PolyPhen-2, Align-GVGD) all suggest that this variant is likely to be disruptive, but these predictions have not been confirmed by published functional studies and their clinical significance is uncertain.

Literature cited by the submitters: PubMed 27300205; PubMed 25818337; PubMed 28658201; PubMed 9475094; PubMed 24402088.

NM_024426.6(WT1):c.1373G>C (p.Cys458Ser)

Gene: WT1 (WT1 transcription factor; minus strand). Cytogenetic location: 11p13.
Variant type: single nucleotide variant.
Coding change: c.1373G>C on transcript NM_024426.6 (MANE Select); coding-DNA position 1373, G replaced by C.
Protein change: p.Cys458Ser; replaces cysteine 458 with serine.
Molecular consequence: missense variant. On other transcripts: non-coding transcript variant (1).
Genome position (GRCh38, 1-based): chr11:32,392,046, C>G on the plus strand (G>C on the coding strand, the complement: WT1 is on the minus strand). VCF-style: chr11-32392046-C-G. GRCh37 (hg19) VCF-style: chr11-32413592-C-G.
Other names: c.1322G>C, p.Cys441Ser (NM_000378.6, NM_001407045.1); c.722G>C, p.Cys241Ser (NM_001198551.2); c.671G>C, p.Cys224Ser (NM_001198552.2); c.185G>C, p.Cys62Ser (NM_001367854.1); c.1367G>C, p.Cys456Ser (NM_001407044.1); c.1250G>C, p.Cys417Ser (NM_001407047.1); c.1232G>C, p.Cys411Ser (NM_001407048.1); c.1199G>C, p.Cys400Ser (NM_001407050.1); and 3 more; short protein forms C62S, C241S, C441S, C458S, C224S, C400S, C456S, C204S.
Identifiers: ClinVar variation 1516726 (VCV001516726.9), dbSNP rs2132915129, ClinGen allele CA379958957.